The following is an entry in ClinVar:

NM_025179.4(PLXNA2):c.1621G>T (p.Asp541Tyr)

Gene: PLXNA2 (plexin A2; minus strand). Cytogenetic location: 1q32.2.
Variant type: single nucleotide variant.
Coding change: c.1621G>T on transcript NM_025179.4 (MANE Select); coding-DNA position 1621, G replaced by T.
Protein change: p.Asp541Tyr; replaces aspartic acid 541 with tyrosine.
Molecular consequence: missense variant.
Genome position (GRCh38, 1-based): chr1:208,098,956, C>A on the plus strand (G>T on the coding strand, the complement: PLXNA2 is on the minus strand). VCF-style: chr1-208098956-C-A. GRCh37 (hg19) VCF-style: chr1-208272301-C-A.
Other names: short protein forms D541Y.
Identifiers: ClinVar variation 4140120 (VCV004140120.2).

ClinVar aggregate classification (germline): Uncertain significance. Review status: criteria provided, multiple submitters, no conflicts (2 of 4 stars). 2 submissions from 2 submitters: Uncertain significance (2). Last evaluated 2026-04-16.

Conditions:
PLXNA2-related disorder. Also called: PLXNA2-related condition.

gnomAD v4.1: 14 of 1,612,252 alleles (0.00087%); highest among the groups gnomAD compares: African/African-American, 0.0013%; no homozygotes.

Submissions (2):

PreventionGenetics, part of Exact Sciences
Classification: Uncertain significance for PLXNA2-related condition. Last evaluated: 2026-04-16. Review status: criteria provided, single submitter. Criteria: ACMG Guidelines, 2015. Collection method: clinical testing. Allele origin: germline.
Comment: The PLXNA2 c.1621G>T variant is predicted to result in the amino acid substitution p.Asp541Tyr. To our knowledge, this variant has not been reported in the literature or in a large population database, indicating this variant is rare. At this time, the clinical significance of this variant is uncertain due to the absence of conclusive functional and genetic evidence.

Ambry Genetics
Classification: Uncertain significance. Last evaluated: 2025-08-31. Review status: criteria provided, single submitter. Criteria: Ambry Variant Classification Scheme 2023. Collection method: clinical testing. Allele origin: germline.